The following is an entry in ClinVar:

NM_002718.5(PPP2R3A):c.696C>T (p.Cys232=)

Gene: PPP2R3A (protein phosphatase 2 regulatory subunit B''alpha; plus strand). Cytogenetic location: 3q22.3.
Variant type: single nucleotide variant.
Coding change: c.696C>T on transcript NM_002718.5 (MANE Select); coding-DNA position 696, C replaced by T.
Protein change: p.Cys232=; no amino-acid change (cysteine 232 retained).
Molecular consequence: synonymous variant. On other transcripts: intron variant (1).
Genome position (GRCh38, 1-based): chr3:136,002,194, C>T. VCF-style: chr3-136002194-C-T. GRCh37 (hg19) VCF-style: chr3-135721036-C-T.
Other names: c.-213-24638C>T (NM_001190447.2).
Identifiers: ClinVar variation 3038187 (VCV003038187.2), dbSNP rs34629706, ClinGen allele CA2630446.

ClinVar aggregate classification (germline): Benign (0 of 4 stars; one submission).

Conditions:
PPP2R3A-related disorder. Also called: PPP2R3A-related condition.

Allele frequency attached by ClinVar (database versions not stated): 1000 Genomes Project 30x 0.03420; 1000 Genomes Project 0.03534; TOPMed 0.04597; ESP Exome Variant Server 0.05434; gnomAD 0.06040; ExAC 0.06631; gnomAD exomes 0.07570.
gnomAD v4.1: 119,226 of 1,613,220 alleles (7.4%); highest among the groups gnomAD compares: Non-Finnish European, 8%; 5,285 homozygotes.

Submission:

PreventionGenetics, part of Exact Sciences
Classification: Benign for PPP2R3A-related condition. Last evaluated: 2019-02-20. Review status: no assertion criteria provided. Collection method: clinical testing. Allele origin: germline.
Comment: This variant is classified as benign based on ACMG/AMP sequence variant interpretation guidelines (Richards et al. 2015 PMID: 25741868, with internal and published modifications).